The following is an entry in ClinVar:

ClinVar aggregate classification (germline): Uncertain significance. Review status: criteria provided, multiple submitters, no conflicts (2 of 4 stars). 2 submissions from 2 submitters: Uncertain significance (2). Last evaluated 2025-08-28.

Conditions:
Hereditary spastic paraplegia 63. Also called: Spastic paraplegia 63, autosomal recessive. Identifiers: Orphanet 401805, MedGen C3810295, MONDO:0014305, OMIM 615686.
Pontocerebellar hypoplasia type 9. Identifiers: Orphanet 369920, MedGen C4014354, MONDO:0014351, OMIM 615809.
Inborn genetic diseases. Identifiers: MedGen C0950123, MeSH D030342.

Allele frequency attached by ClinVar (database versions not stated): gnomAD exomes below 0.00001.
gnomAD v4.1: 4 of 1,613,806 alleles (0.00025%); highest among the groups gnomAD compares: Non-Finnish European, 0.00025%; no homozygotes.

Submissions (2):

Ambry Genetics
Classification: Uncertain significance for Inborn genetic diseases. Last evaluated: 2025-08-28. Review status: criteria provided, single submitter. Criteria: Ambry Variant Classification Scheme 2023. Collection method: clinical testing. Allele origin: germline.

Labcorp Genetics (formerly Invitae), Labcorp
Classification: Uncertain significance for Pontocerebellar hypoplasia type 9; Hereditary spastic paraplegia 63. Last evaluated: 2022-08-01. Review status: criteria provided, single submitter. Criteria: Invitae Variant Classification Sherloc (09022015). Collection method: clinical testing. Allele origin: germline.
Comment: In summary, the available evidence is currently insufficient to determine the role of this variant in disease. Therefore, it has been classified as a Variant of Uncertain Significance. Algorithms developed to predict the effect of missense changes on protein structure and function (SIFT, PolyPhen-2, Align-GVGD) all suggest that this variant is likely to be tolerated. This variant has not been reported in the literature in individuals affected with AMPD2-related conditions. This variant is not present in population databases (gnomAD no frequency). This sequence change replaces alanine, which is neutral and non-polar, with valine, which is neutral and non-polar, at codon 105 of the AMPD2 protein (p.Ala105Val).

NM_001368809.2(AMPD2):c.152C>T (p.Ala51Val)

Gene: AMPD2 (adenosine monophosphate deaminase 2; plus strand). Cytogenetic location: 1p13.3.
Variant type: single nucleotide variant.
Coding change: c.152C>T on transcript NM_001368809.2 (MANE Select); coding-DNA position 152, C replaced by T.
Protein change: p.Ala51Val; replaces alanine 51 with valine.
Molecular consequence: missense variant. On other transcripts: 5 prime UTR variant (1), intron variant (1).
Genome position (GRCh38, 1-based): chr1:109,625,363, C>T. VCF-style: chr1-109625363-C-T. GRCh37 (hg19) VCF-style: chr1-110167985-C-T.
Other names: c.314C>T (NM_004037.6); c.314C>T, p.Ala105Val (NM_001257360.2); c.-41C>T (NM_001257361.2); c.152C>T, p.Ala51Val (NM_004037.9); c.71C>T, p.Ala24Val (NM_139156.4); c.160-299C>T (NM_001308170.1); short protein forms A24V, A51V, A105V.
Identifiers: ClinVar variation 2186193 (VCV002186193.5), dbSNP rs1176140168, ClinGen allele CA341553512.